The following is an entry in ClinVar:

NM_001754.5(RUNX1):c.215_216dup (p.Ser73fs)

Gene: RUNX1 (RUNX family transcription factor 1; minus strand). Cytogenetic location: 21q22.12.
Variant type: Duplication.
Coding change: c.215_216dup on transcript NM_001754.5 (MANE Select); coding-DNA positions 215 to 216, 2 bases duplicated (GG; older notation c.215_216dupGG).
Protein change: p.Ser73fs; shifts the reading frame from serine 73.
Molecular consequence: frameshift variant.
Genome position (GRCh38, 1-based): chr21:34,886,978-34,886,979, CC duplicated on the plus strand (GG on the coding strand, the reverse complement: RUNX1 is on the minus strand). VCF-style (leftmost placement, unchanged base first): chr21-34886977-T-TCC. GRCh37 (hg19) VCF-style: chr21-36259274-T-TCC.
Other names: NM_001754.4(RUNX1):c.215_216dup; NM_001754.5(RUNX1):c.215_216dup; p.Ser73fs; c.215_216dupGG (NM_001754.4); c.134_135dup, p.Ser46fs (NM_001001890.3, NM_001122607.2); short protein forms S73fs, S46fs.
Identifiers: ClinVar variation 463988 (VCV000463988.10), dbSNP rs1555899813, ClinGen allele CA658656806.

ClinVar aggregate classification (germline): Pathogenic. Review status: reviewed by expert panel (3 of 4 stars). 2 submissions from 2 submitters: Pathogenic (1). 1 of the submissions does not count toward it. Last evaluated 2024-03-26.

Conditions:
Hereditary thrombocytopenia and hematological cancer predisposition syndrome associated with RUNX1. Also called: PLATELET DISORDER, ASPIRIN-LIKE; Familial Platelet Disorder with Propensity to Acute Myelogenous Leukemia; Familial thrombocytopenia with propensity to acute myelogenous leukemia; RUNX1 Familial Platelet Disorder with Associated Myeloid Malignancies. Identifiers: Orphanet 71290, MedGen C1832388, MeSH C563324, MONDO:0100083, OMIM 601399.
Hereditary thrombocytopenia and hematologic cancer predisposition syndrome. Identifiers: Orphanet 71290, MedGen CN281654, MONDO:0011071.

Submissions (2):

ClinGen Myeloid Malignancy Variant Curation Expert Panel
Classification: Pathogenic for Hereditary thrombocytopenia and hematologic cancer predisposition syndrome. Last evaluated: 2024-03-26. Review status: reviewed by expert panel. Criteria: ClinGen MyeloMalig ACMG Specifications v2. Collection method: curation. Allele origin: germline. Inheritance: Autosomal dominant inheritance.
Comment: The NM_001754.4:c.215_216dup (p.Ser73Glyfs) variant is a frameshift variant that is predicted to introduce a premature stop codon and expected to result in nonsense-mediated mRNA decay (PVS1). This variant is completely absent from all population databases with at least 20x coverage for RUNX1 (PM2_supporting). This variant is a nonsense/frameshift variants that is downstream of c.98 (PM5_Supporting). This variant has been reported in one proband meeting at least one of the RUNX1-phenotypic criteria (PS4_ Supporting; SCV000638134.1). In summary, this variant meets criteria to be classified as pathogenic. ACMG/AMP criteria applied, as specified by the Myeloid Malignancy Variant Curation Expert Panel for RUNX1: PVS1, PM2_supporting, PS4_Supporting, PM5_supporting.

Labcorp Genetics (formerly Invitae), Labcorp
Classification: Pathogenic for Hereditary thrombocytopenia and hematological cancer predisposition syndrome associated with RUNX1. Last evaluated: 2019-05-09. Review status: criteria provided, single submitter. Criteria: Invitae Variant Classification Sherloc (09022015). Collection method: clinical testing. Allele origin: germline. Not counted in ClinVar's aggregate classification.
Comment: This sequence change creates a premature translational stop signal (p.Ser73Glyfs*50) in the RUNX1 gene. It is expected to result in an absent or disrupted protein product. This variant is not present in population databases (ExAC no frequency). This variant has not been reported in the literature in individuals with RUNX1-related disease. ClinVar contains an entry for this variant (Variation ID: 463988). Loss-of-function variants in RUNX1 are known to be pathogenic (PMID: 18723428, 24100448). For these reasons, this variant has been classified as Pathogenic.

Literature cited by the submitters: PubMed 18723428 (cited by Labcorp Genetics (formerly Invitae), Labcorp); PubMed 24100448 (cited by Labcorp Genetics (formerly Invitae), Labcorp).